The following is an entry in ClinVar:

ClinVar aggregate classification (germline): Uncertain significance. Review status: criteria provided, multiple submitters, no conflicts (2 of 4 stars). 2 submissions from 2 submitters: Uncertain significance (2). Last evaluated 2025-10-22.

Conditions:
Joubert syndrome. Also called: Familial aplasia of the vermis; JOUBERT-BOLTSHAUSER SYNDROME. Identifiers: Orphanet 475, MedGen C5979921, MONDO:0018772.

Submissions (2):

Labcorp Genetics (formerly Invitae), Labcorp
Classification: Uncertain significance for Joubert syndrome. Last evaluated: 2025-10-22. Review status: criteria provided, single submitter. Criteria: Invitae Variant Classification Sherloc (09022015). Collection method: clinical testing. Allele origin: germline.
Comment: This sequence change replaces aspartic acid, which is acidic and polar, with tyrosine, which is neutral and polar, at codon 88 of the INPP5E protein (p.Asp88Tyr). This variant is not present in population databases (gnomAD no frequency). This variant has not been reported in the literature in individuals affected with INPP5E-related conditions. ClinVar contains an entry for this variant (Variation ID: 1038872). Invitae Evidence Modeling of protein sequence and biophysical properties (such as structural, functional, and spatial information, amino acid conservation, physicochemical variation, residue mobility, and thermodynamic stability) indicates that this missense variant is not expected to disrupt INPP5E protein function with a negative predictive value of 95%. In summary, the available evidence is currently insufficient to determine the role of this variant in disease. Therefore, it has been classified as a Variant of Uncertain Significance.

Blueprint Genetics
Classification: Uncertain significance. Last evaluated: 2024-03-04. Review status: criteria provided, single submitter. Criteria: ACMG Guidelines, 2015. Collection method: clinical testing. Allele origin: germline.

NM_019892.6(INPP5E):c.262G>T (p.Asp88Tyr)

Gene: INPP5E (inositol polyphosphate-5-phosphatase E; minus strand). Cytogenetic location: 9q34.3.
Variant type: single nucleotide variant.
Coding change: c.262G>T on transcript NM_019892.6 (MANE Select); coding-DNA position 262, G replaced by T.
Protein change: p.Asp88Tyr; replaces aspartic acid 88 with tyrosine.
Molecular consequence: missense variant.
Genome position (GRCh38, 1-based): chr9:136,439,158, C>A on the plus strand (G>T on the coding strand, the complement: INPP5E is on the minus strand). VCF-style: chr9-136439158-C-A. GRCh37 (hg19) VCF-style: chr9-139333610-C-A.
Other names: c.262G>T, p.Asp88Tyr (NM_001318502.2); short protein forms D88Y.
Identifiers: ClinVar variation 1038872 (VCV001038872.11), dbSNP rs894770887, ClinGen allele CA375570220.
Genomic context (GRCh38, chr9:136,439,158, plus strand): 5'-CATTCCGGGCTTCCAGGTCCTCCTGGCTGCCTCGAAAACGCCTCCTCCTCCAGCCCTTGT[C>A]GTCCAGGGACAGGGCTCGCTCCAGTCGAGGCCTGGCGGGGGGCCGCGGGGCGATGGGTGC-3'
Protein context (NP_063945.2, residues 78-98): PRLERALSLD[Asp88Tyr]KGWRRRRFRG